The following is an entry in ClinVar:

NM_000245.4(MET):c.787A>G (p.Thr263Ala)

Gene: MET (MET proto-oncogene, receptor tyrosine kinase; plus strand). Cytogenetic location: 7q31.2.
Variant type: single nucleotide variant.
Coding change: c.787A>G on transcript NM_000245.4 (MANE Select); coding-DNA position 787, A replaced by G.
Protein change: p.Thr263Ala; replaces threonine 263 with alanine.
Molecular consequence: missense variant. On other transcripts: intron variant (1).
Genome position (GRCh38, 1-based): chr7:116,699,871, A>G. VCF-style: chr7-116699871-A-G. GRCh37 (hg19) VCF-style: chr7-116339925-A-G.
Other names: c.787A>G, p.Thr263Ala (NM_001127500.3, NM_001324401.3); c.-91+27294A>G (NM_001324402.2); short protein forms T263A.
Identifiers: ClinVar variation 3233010 (VCV003233010.1), dbSNP rs2116597837, ClinGen allele CA368969855.

ClinVar aggregate classification (germline): Uncertain significance (1 of 4 stars; one submission).

Conditions:
Hereditary cancer-predisposing syndrome. Also called: Neoplastic Syndromes, Hereditary; Tumor predisposition; Hereditary neoplastic syndrome; Hereditary Cancer Syndrome. Identifiers: Orphanet 140162, MedGen C0027672, MeSH D009386, MONDO:0015356.

Submission:

Ambry Genetics
Classification: Uncertain significance for Hereditary cancer-predisposing syndrome. Last evaluated: 2023-12-08. Review status: criteria provided, single submitter. Criteria: Ambry Variant Classification Scheme 2023. Collection method: clinical testing. Allele origin: germline.
Comment: The p.T263A variant (also known as c.787A>G), located in coding exon 1 of the MET gene, results from an A to G substitution at nucleotide position 787. The threonine at codon 263 is replaced by alanine, an amino acid with similar properties. This amino acid position is highly conserved in available vertebrate species. In addition, this alteration is predicted to be tolerated by in silico analysis. Since supporting evidence is limited at this time, the clinical significance of this alteration remains unclear.